The following is an entry in ClinVar:

ClinVar aggregate classification (germline): Likely benign (1 of 4 stars; one submission).

Allele frequency attached by ClinVar (database versions not stated): gnomAD 0.03311 and 0.03575; TOPMed 0.03372; 1000 Genomes Project 30x 0.05356; 1000 Genomes Project 0.05611.
gnomAD v4.1: 35,416 of 897,882 alleles (3.9%); highest among the groups gnomAD compares: East Asian, 10%; 999 homozygotes.

Submission:

GeneDx
Classification: Likely benign. Last evaluated: 2018-06-14. Review status: criteria provided, single submitter. Criteria: GeneDx Variant Classification (06012015). Collection method: clinical testing. Allele origin: germline. Affected: yes.
Comment: This variant is considered likely benign or benign based on one or more of the following criteria: it is a conservative change, it occurs at a poorly conserved position in the protein, it is predicted to be benign by multiple in silico algorithms, and/or has population frequency not consistent with disease.

NM_001083961.2(WDR62):c.1550+141C>A

Gene: WDR62 (WD repeat domain 62; plus strand). Cytogenetic location: 19q13.12.
Variant type: single nucleotide variant.
Coding change: c.1550+141C>A on transcript NM_001083961.2 (MANE Select); 141 bases into the intron after coding-DNA position 1550, C replaced by A.
Molecular consequence: intron variant.
Genome position (GRCh38, 1-based): chr19:36,083,382, C>A. VCF-style: chr19-36083382-C-A. GRCh37 (hg19) VCF-style: chr19-36574284-C-A.
Other names: c.1550+141C>A (NM_173636.5).
Identifiers: ClinVar variation 672330 (VCV000672330.1), dbSNP rs1016992, ClinGen allele CA14740115.